The following is an entry in ClinVar:

NM_005026.5(PIK3CD):c.2431A>T (p.Thr811Ser)

Gene: PIK3CD (phosphatidylinositol-4,5-bisphosphate 3-kinase catalytic subunit delta; plus strand). Cytogenetic location: 1p36.22.
Variant type: single nucleotide variant.
Coding change: c.2431A>T on transcript NM_005026.5 (MANE Select); coding-DNA position 2431, A replaced by T.
Protein change: p.Thr811Ser; replaces threonine 811 with serine.
Molecular consequence: missense variant.
Genome position (GRCh38, 1-based): chr1:9,723,129, A>T. VCF-style: chr1-9723129-A-T. GRCh37 (hg19) VCF-style: chr1-9783187-A-T.
Other names: c.2428A>T, p.Thr810Ser (NM_001350234.2, NM_001439206.1); c.2344A>T, p.Thr782Ser (NM_001350235.1); c.2431A>T, p.Thr811Ser (NM_001437546.1); c.2287A>T, p.Thr763Ser (NM_001437547.1, NM_001438338.1); short protein forms T763S, T810S, T782S, T811S.
Identifiers: ClinVar variation 4705752 (VCV004705752.1).

ClinVar aggregate classification (germline): Uncertain significance (1 of 4 stars; one submission).

Conditions:
Immunodeficiency 14 (IMD14A). Also called: p110-DELTA-ACTIVATING MUTATION CAUSING SENESCENT T CELLS, LYMPHADENOPATHY, AND IMMUNODEFICIENCY; ACTIVATED PI3K-DELTA SYNDROME 1; Activated PI3K Delta Syndrome Type 1 (APDS1); IMMUNODEFICIENCY 14A WITH LYMPHOPROLIFERATION, AUTOSOMAL DOMINANT. Identifiers: Orphanet 397596, Orphanet 693661, MedGen C5907821, MONDO:0014222, OMIM 615513.

gnomAD v4.1: 7 of 1,613,072 alleles (0.00043%); highest among the groups gnomAD compares: African/African-American, 0.0013%; no homozygotes.

Submission:

Labcorp Genetics (formerly Invitae), Labcorp
Classification: Uncertain significance for Activated PI3K-delta syndrome. Last evaluated: 2025-04-21. Review status: criteria provided, single submitter. Criteria: Invitae Variant Classification Sherloc (09022015). Collection method: clinical testing. Allele origin: germline.
Comment: This sequence change replaces threonine, which is neutral and polar, with serine, which is neutral and polar, at codon 811 of the PIK3CD protein (p.Thr811Ser). This variant is not present in population databases (gnomAD no frequency). This variant has not been reported in the literature in individuals affected with PIK3CD-related conditions. Invitae Evidence Modeling of protein sequence and biophysical properties (such as structural, functional, and spatial information, amino acid conservation, physicochemical variation, residue mobility, and thermodynamic stability) indicates that this missense variant is not expected to disrupt PIK3CD protein function with a negative predictive value of 80%. In summary, the available evidence is currently insufficient to determine the role of this variant in disease. Therefore, it has been classified as a Variant of Uncertain Significance.